The following is an entry in ClinVar:

ClinVar aggregate classification (germline): Likely pathogenic (1 of 4 stars; one submission).

Conditions:
Bethlem myopathy 1A. Also called: Bethlem myopathy 1; Bethlem Muscular Dystrophy; MYOPATHY, BENIGN CONGENITAL, WITH CONTRACTURES. Identifiers: Orphanet 610, MedGen CN029274, MONDO:0024530, OMIM 158810.

Submission:

Labcorp Genetics (formerly Invitae), Labcorp
Classification: Likely pathogenic for Bethlem myopathy 1A. Last evaluated: 2022-11-28. Review status: criteria provided, single submitter. Criteria: Invitae Variant Classification Sherloc (09022015). Collection method: clinical testing. Allele origin: germline.
Comment: ClinVar contains an entry for this variant (Variation ID: 1480216). In summary, the currently available evidence indicates that the variant is pathogenic, but additional data are needed to prove that conclusively. Therefore, this variant has been classified as Likely Pathogenic. This variant disrupts the triple helix domain of COL6A1. Glycine residues within the Gly-Xaa-Yaa repeats of the triple helix domain are required for the structure and stability of fibrillar collagens (PMID: 7695699, 8218237, 19344236). In COL6A1, variants at these glycine residues are significantly enriched in individuals with autosomal dominant disease (PMID: 15689448, 24038877) compared to the general population (ExAC). Advanced modeling of protein sequence and biophysical properties (such as structural, functional, and spatial information, amino acid conservation, physicochemical variation, residue mobility, and thermodynamic stability) performed at Invitae indicates that this missense variant is expected to disrupt COL6A1 protein function. This variant has not been reported in the literature in individuals affected with COL6A1-related conditions. This variant is not present in population databases (gnomAD no frequency). This sequence change replaces glycine, which is neutral and non-polar, with arginine, which is basic and polar, at codon 305 of the COL6A1 protein (p.Gly305Arg).

Literature cited by the submitters: PubMed 7695699; PubMed 8218237; PubMed 19344236; PubMed 15689448; PubMed 24038877.

NM_001848.3(COL6A1):c.913G>C (p.Gly305Arg)

Gene: COL6A1 (collagen type VI alpha 1 chain; plus strand). Cytogenetic location: 21q22.3.
Variant type: single nucleotide variant.
Coding change: c.913G>C on transcript NM_001848.3 (MANE Select); coding-DNA position 913, G replaced by C.
Protein change: p.Gly305Arg; replaces glycine 305 with arginine.
Molecular consequence: missense variant.
Genome position (GRCh38, 1-based): chr21:45,989,761, G>C. VCF-style: chr21-45989761-G-C. GRCh37 (hg19) VCF-style: chr21-47409675-G-C.
Other names: short protein forms G305R.
Identifiers: ClinVar variation 1480216 (VCV001480216.8), dbSNP rs1469287281, ClinGen allele CA410522312.